The following is an entry in ClinVar:

ClinVar aggregate classification (germline): Uncertain significance. Review status: criteria provided, multiple submitters, no conflicts (2 of 4 stars). 3 submissions from 3 submitters: Uncertain significance (3). Last evaluated 2026-07-06.

Conditions:
Tuberous sclerosis 2 (TSC2). Identifiers: Orphanet 805, MedGen C1860707, MONDO:0013199, OMIM 613254.
Hereditary cancer-predisposing syndrome. Also called: Hereditary Cancer Syndrome; Tumor predisposition; Hereditary neoplastic syndrome; Neoplastic Syndromes, Hereditary. Identifiers: Orphanet 140162, MedGen C0027672, MeSH D009386, MONDO:0015356.

Submissions (3):

Ambry Genetics
Classification: Uncertain significance for Hereditary cancer-predisposing syndrome. Last evaluated: 2026-07-06. Review status: criteria provided, single submitter. Criteria: Ambry Variant Classification Scheme 2023. Collection method: clinical testing. Allele origin: germline.
Comment: The p.P24T variant (also known as c.70C>A), located in coding exon 1 of the TSC2 gene, results from a C to A substitution at nucleotide position 70. The proline at codon 24 is replaced by threonine, an amino acid with highly similar properties. This amino acid position is conserved. In addition, this alteration is predicted to be tolerated by in silico analysis. Based on the available evidence, the clinical significance of this variant remains unclear.

GeneDx
Classification: Uncertain significance. Last evaluated: 2023-10-31. Review status: criteria provided, single submitter. Criteria: GeneDx Variant Classification Process June 2021. Collection method: clinical testing. Allele origin: germline. Affected: yes.
Comment: Not observed at significant frequency in large population cohorts (gnomAD); In silico analysis supports that this missense variant does not alter protein structure/function; Has not been previously published as pathogenic or benign to our knowledge; This variant is associated with the following publications: (PMID: 18466115)

Labcorp Genetics (formerly Invitae), Labcorp
Classification: Uncertain significance for Tuberous sclerosis 2. Last evaluated: 2018-01-08. Review status: criteria provided, single submitter. Criteria: Invitae Variant Classification Sherloc (09022015). Collection method: clinical testing. Allele origin: germline.
Comment: In summary, the available evidence is currently insufficient to determine the role of this variant in disease. Therefore, it has been classified as a Variant of Uncertain Significance. Algorithms developed to predict the effect of missense changes on protein structure and function output the following: SIFT: "Tolerated"; PolyPhen-2: "Benign"; Align-GVGD: "Class C0". The threonine amino acid residue is found in multiple mammalian species, suggesting that this missense change does not adversely affect protein function. These predictions have not been confirmed by published functional studies and their clinical significance is uncertain. This variant has not been reported in the literature in individuals with TSC2-related disease. This variant is not present in population databases (ExAC no frequency). This sequence change replaces proline with threonine at codon 24 of the TSC2 protein (p.Pro24Thr). The proline residue is weakly conserved and there is a small physicochemical difference between proline and threonine.

NM_000548.5(TSC2):c.70C>A (p.Pro24Thr)

Gene: TSC2 (TSC complex subunit 2; plus strand). Cytogenetic location: 16p13.3.
Variant type: single nucleotide variant.
Coding change: c.70C>A on transcript NM_000548.5 (MANE Select); coding-DNA position 70, C replaced by A.
Protein change: p.Pro24Thr; replaces proline 24 with threonine.
Molecular consequence: missense variant. On other transcripts: 5 prime UTR variant (1), intron variant (1).
Genome position (GRCh38, 1-based): chr16:2,048,685, C>A. VCF-style: chr16-2048685-C-A. GRCh37 (hg19) VCF-style: chr16-2098686-C-A.
Other names: c.70C>A, p.Pro24Thr (NM_001077183.3, NM_001114382.3, NM_001318827.2 and 4 more transcripts); c.-157C>A (NM_001318831.2); c.103C>A, p.Pro35Thr (NM_001318832.2); c.-10+620C>A (NM_001318829.2); short protein forms P24T, P35T.
Identifiers: ClinVar variation 569456 (VCV000569456.10), dbSNP rs1567380585, ClinGen allele CA394301207.